The following is an entry in ClinVar:

NM_019590.5(KIAA1217):c.2490C>T (p.Asp830=)

Gene: KIAA1217 (KIAA1217; plus strand). Cytogenetic location: 10p12.1.
Variant type: single nucleotide variant.
Coding change: c.2490C>T on transcript NM_019590.5 (MANE Select); coding-DNA position 2490, C replaced by T.
Protein change: p.Asp830=; no amino-acid change (aspartic acid 830 retained).
Molecular consequence: synonymous variant.
Genome position (GRCh38, 1-based): chr10:24,524,356, C>T. VCF-style: chr10-24524356-C-T. GRCh37 (hg19) VCF-style: chr10-24813285-C-T.
Other names: c.2250C>T, p.Asp750= (NM_001098500.3); c.2385C>T, p.Asp795= (NM_001282767.2, NM_001282768.2); c.1539C>T, p.Asp513= (NM_001282769.2, NM_001282770.2); c.1644C>T, p.Asp548= (NM_001321681.2).
Identifiers: ClinVar variation 2640348 (VCV002640348.24), dbSNP rs138527418, ClinGen allele CA5439818.

ClinVar aggregate classification (germline): Likely benign (1 of 4 stars; one submission).

Allele frequency attached by ClinVar (database versions not stated): ESP Exome Variant Server 0.00008; TOPMed 0.00029; gnomAD 0.00042; ExAC 0.00059; 1000 Genomes Project 0.00200; 1000 Genomes Project 30x 0.00219.
gnomAD v4.1: 327 of 1,612,666 alleles (0.02%); highest among the groups gnomAD compares: Middle Eastern, 0.51%; 2 homozygotes.

Submission:

CeGaT Center for Human Genetics Tuebingen
Classification: Likely benign. Last evaluated: 2022-09-01. Review status: criteria provided, single submitter. Criteria: CeGaT Center For Human Genetics Tuebingen Variant Classification Criteria Version 2. Collection method: clinical testing. Allele origin: germline. Affected: yes. Observed: 1 variant allele.
Comment: KIAA1217: BP4, BP7